The following is an entry in ClinVar:

NC_000019.9:g.(?_33532300)_(33793320_?)dup

Genes: SLC7A10 (solute carrier family 7 member 10; minus strand), WDR88 (WD repeat domain 88; plus strand), RHPN2 (rhophilin Rho GTPase binding protein 2; minus strand), CEBPA (CCAAT enhancer binding protein alpha; minus strand), GPATCH1 (G-patch domain containing 1; plus strand) and 1 more. Cytogenetic location: 19q13.11.
Variant type: Duplication.
Identifiers: ClinVar variation 1020169 (VCV001020169.6).

ClinVar aggregate classification (germline): Uncertain significance (1 of 4 stars; one submission).

Conditions:
Acute myeloid leukemia (AML). Also called: Acute myeloid leukemia, adult; AML adult; Acute non-lymphocytic leukemia; Acute granulocytic leukemia; Leukemia, acute myelogenous, somatic; Leukemia, acute myeloid, somatic. Identifiers: Orphanet 519, MedGen C0023467, MeSH D015470, MONDO:0018874, OMIM 601626, HP:0004808. Disease mechanism: Constitutively activated FLT3.

Submission:

Labcorp Genetics (formerly Invitae), Labcorp
Classification: Uncertain significance for Acute myeloid leukemia. Last evaluated: 2023-08-17. Review status: criteria provided, single submitter. Criteria: Invitae Variant Classification Sherloc (09022015). Collection method: clinical testing. Allele origin: germline.
Comment: In summary, the available evidence is currently insufficient to determine the role of this variant in disease. Therefore, it has been classified as a Variant of Uncertain Significance. Experimental studies and prediction algorithms are not available or were not evaluated, and the functional significance of this variant is currently unknown. This variant has not been reported in the literature in individuals affected with CEBPA-related conditions. A copy number gain of the genomic region encompassing the full coding sequence of the CEBPA gene has been identified. The boundaries of this event are unknown as they extend beyond the assayed region for this gene and therefore may encompass additional genes. As the precise location of this event is unknown, it may be in tandem or it may be located elsewhere in the genome.